The following is an entry in ClinVar:

ClinVar aggregate classification (germline): Uncertain significance (1 of 4 stars; one submission).

gnomAD v4.1: 9 of 1,614,230 alleles (0.00056%); highest among the groups gnomAD compares: Non-Finnish European, 0.00076%; no homozygotes.

Submission:

Labcorp Genetics (formerly Invitae), Labcorp
Classification: Uncertain significance. Last evaluated: 2024-12-03. Review status: criteria provided, single submitter. Criteria: Invitae Variant Classification Sherloc (09022015). Collection method: clinical testing. Allele origin: germline.
Comment: This sequence change replaces asparagine, which is neutral and polar, with lysine, which is basic and polar, at codon 102 of the RNF31 protein (p.Asn102Lys). This variant is not present in population databases (gnomAD no frequency). This variant has not been reported in the literature in individuals affected with RNF31-related conditions. An algorithm developed to predict the effect of missense changes on protein structure and function (PolyPhen-2) suggests that this variant is likely to be disruptive. In summary, the available evidence is currently insufficient to determine the role of this variant in disease. Therefore, it has been classified as a Variant of Uncertain Significance.

NM_017999.5(RNF31):c.306C>G (p.Asn102Lys)

Gene: RNF31 (ring finger protein 31; plus strand). Cytogenetic location: 14q12.
Variant type: single nucleotide variant.
Coding change: c.306C>G on transcript NM_017999.5 (MANE Select); coding-DNA position 306, C replaced by G.
Protein change: p.Asn102Lys; replaces asparagine 102 with lysine.
Molecular consequence: missense variant. On other transcripts: 5 prime UTR variant (1).
Genome position (GRCh38, 1-based): chr14:24,148,089, C>G. VCF-style: chr14-24148089-C-G. GRCh37 (hg19) VCF-style: chr14-24617298-C-G.
Other names: c.-212C>G (NM_001310332.2); short protein forms N102K.
Identifiers: ClinVar variation 3690291 (VCV003690291.2).